The following is an entry in ClinVar:

NM_000051.4(ATM):c.-31+12G>A

Gene: ATM (ATM serine/threonine kinase; plus strand). Cytogenetic location: 11q22.3.
Variant type: single nucleotide variant.
Coding change: c.-31+12G>A on transcript NM_000051.4 (MANE Select); 12 bases into the intron after 31 bases upstream of the start codon, G replaced by A.
Molecular consequence: intron variant.
Genome position (GRCh38, 1-based): chr11:108,223,198, G>A. VCF-style: chr11-108223198-G-A. GRCh37 (hg19) VCF-style: chr11-108093925-G-A.
Other names: c.-119+12G>A (NM_001351834.2); c.-31+12G>A (NM_001351835.2).
Identifiers: ClinVar variation 509301 (VCV000509301.1), dbSNP rs962403813, ClinGen allele CA228364507.

ClinVar aggregate classification (germline): Likely benign (1 of 4 stars; one submission).

Allele frequency attached by ClinVar (database versions not stated): gnomAD 0.00001 and 0.00003; TOPMed 0.00001.
gnomAD v4.1: 2 of 163,696 alleles (0.0012%); highest among the groups gnomAD compares: African/African-American, 0.0048%; no homozygotes.

Submission:

GeneDx
Classification: Likely benign. Last evaluated: 2017-04-28. Review status: criteria provided, single submitter. Criteria: GeneDx Variant Classification (06012015). Collection method: clinical testing. Allele origin: germline. Affected: yes.
Comment: This variant is considered likely benign or benign based on one or more of the following criteria: it is a conservative change, it occurs at a poorly conserved position in the protein, it is predicted to be benign by multiple in silico algorithms, and/or has population frequency not consistent with disease.